The following is an entry in ClinVar:

NM_021254.4(CFAP298):c.422A>G (p.Asp141Gly)

Genes: CFAP298 (cilia and flagella associated protein 298; minus strand), CFAP298-TCP10L (CFAP298-TCP10L readthrough; minus strand). Cytogenetic location: 21q22.11.
Variant type: single nucleotide variant.
Coding change: c.422A>G on transcript NM_021254.4 (MANE Select); coding-DNA position 422, A replaced by G.
Protein change: p.Asp141Gly; replaces aspartic acid 141 with glycine.
Molecular consequence: missense variant. On other transcripts: non-coding transcript variant (2).
Genome position (GRCh38, 1-based): chr21:32,604,237, T>C on the plus strand (A>G on the coding strand, the complement: CFAP298 is on the minus strand). VCF-style: chr21-32604237-T-C. GRCh37 (hg19) VCF-style: chr21-33976547-T-C.
Other names: c.422A>G, p.Asp141Gly (NM_001350338.2, NM_001350335.2, NM_001350336.2 and 1 more transcripts); c.125A>G, p.Asp42Gly (NM_001350334.2); short protein forms D141G, D42G.
Identifiers: ClinVar variation 525246 (VCV000525246.10), dbSNP rs140727644, ClinGen allele CA10002861.

ClinVar aggregate classification (germline): Uncertain significance. Review status: criteria provided, multiple submitters, no conflicts (2 of 4 stars). 3 submissions from 3 submitters: Uncertain significance (3). Last evaluated 2024-05-08.

Conditions:
Primary ciliary dyskinesia 26. Also called: CILIARY DYSKINESIA, PRIMARY, 26, WITH OR WITHOUT SITUS INVERSUS; CILIARY DYSKINESIA, PRIMARY, 26, WITH SITUS INVERSUS; CILIARY DYSKINESIA, PRIMARY, 26, WITHOUT SITUS INVERSUS. Identifiers: Orphanet 244, MedGen C3809684, MONDO:0014211, OMIM 615500.

Allele frequency attached by ClinVar (database versions not stated): ESP Exome Variant Server 0.00008; ExAC 0.00019; gnomAD 0.00019; gnomAD exomes 0.00019; TOPMed 0.00019.
gnomAD v4.1: 428 of 1,613,992 alleles (0.027%); highest among the groups gnomAD compares: Non-Finnish European, 0.034%; no homozygotes.

Submissions (3):

ARUP Laboratories, Molecular Genetics and Genomics, ARUP Laboratories
Classification: Uncertain significance for Primary ciliary dyskinesia 26. Last evaluated: 2024-05-08. Review status: criteria provided, single submitter. Criteria: ARUP Molecular Germline Variant Investigation Process 2024. Collection method: clinical testing. Allele origin: germline.
Comment: The CFAP298 c.422A>G; p.Asp141Gly variant (rs140727644) is reported in the literature in an individual affected with primary ciliary dyskinesia, although a second variant was not identified (Austin-Tse 2013). This variant is found in the non-Finnish European population with an allele frequency of 0.036% (47/129,186 alleles) in the Genome Aggregation Database (v2.1.1). Computational analyses are uncertain whether this variant is neutral or deleterious (REVEL: 0.194). Functional analysis of the variant suggests moderately reduced ability to rescue cilia motility compared to wildtype CFAP298 in a zebrafish knockdown model (Austin-Tse 2013); however, the physiological relevance of this difference remains unclear. Due to limited information, the clinical significance of this variant is uncertain at this time. References: Austin-Tse C et al. Zebrafish Ciliopathy Screen Plus Human Mutational Analysis Identifies C21orf59 and CCDC65 Defects as Causing Primary Ciliary Dyskinesia. Am J Hum Genet. 2013 Oct 3;93(4):672-86. PMID: 24094744.

Blueprint Genetics
Classification: Uncertain significance. Last evaluated: 2024-01-03. Review status: criteria provided, single submitter. Criteria: ACMG Guidelines, 2015. Collection method: clinical testing. Allele origin: germline.

Labcorp Genetics (formerly Invitae), Labcorp
Classification: Uncertain significance. Last evaluated: 2022-02-05. Review status: criteria provided, single submitter. Criteria: Invitae Variant Classification Sherloc (09022015). Collection method: clinical testing. Allele origin: germline.
Comment: This sequence change replaces aspartic acid, which is acidic and polar, with glycine, which is neutral and non-polar, at codon 141 of the C21orf59 protein (p.Asp141Gly). This variant is present in population databases (rs140727644, gnomAD 0.04%). This missense change has been observed in individual(s) with primary ciliary dyskinesia (PMID: 24094744). ClinVar contains an entry for this variant (Variation ID: 525246). Algorithms developed to predict the effect of missense changes on protein structure and function are either unavailable or do not agree on the potential impact of this missense change (SIFT: "Deleterious"; PolyPhen-2: "Benign"; Align-GVGD: "Class C0"). Experimental studies have shown that this missense change affects C21orf59 function (PMID: 24094744). Algorithms developed to predict the effect of sequence changes on RNA splicing suggest that this variant may create or strengthen a splice site. In summary, the available evidence is currently insufficient to determine the role of this variant in disease. Therefore, it has been classified as a Variant of Uncertain Significance.

Literature cited by the submitters: PubMed 24094744 (cited by Labcorp Genetics (formerly Invitae), Labcorp).